The following is an entry in ClinVar:

ClinVar aggregate classification (germline): Uncertain significance (1 of 4 stars; one submission).

Allele frequency attached by ClinVar (database versions not stated): gnomAD 0.00002; gnomAD exomes below 0.00001; TOPMed 0.00002.

Submission:

Labcorp Genetics (formerly Invitae), Labcorp
Classification: Uncertain significance. Last evaluated: 2022-08-09. Review status: criteria provided, single submitter. Criteria: Invitae Variant Classification Sherloc (09022015). Collection method: clinical testing. Allele origin: germline.
Comment: This sequence change replaces glutamic acid, which is acidic and polar, with glutamine, which is neutral and polar, at codon 152 of the BCS1L protein (p.Glu152Gln). This variant is present in population databases (no rsID available, gnomAD 0.008%). This variant has not been reported in the literature in individuals affected with BCS1L-related conditions. ClinVar contains an entry for this variant (Variation ID: 1439694). Advanced modeling of protein sequence and biophysical properties (such as structural, functional, and spatial information, amino acid conservation, physicochemical variation, residue mobility, and thermodynamic stability) performed at Invitae indicates that this missense variant is not expected to disrupt BCS1L protein function. In summary, the available evidence is currently insufficient to determine the role of this variant in disease. Therefore, it has been classified as a Variant of Uncertain Significance.

NM_001079866.2(BCS1L):c.454G>C (p.Glu152Gln)

Gene: BCS1L (BCS1 homolog, ubiquinol-cytochrome c reductase complex chaperone; plus strand). Cytogenetic location: 2q35.
Variant type: single nucleotide variant.
Coding change: c.454G>C on transcript NM_001079866.2 (MANE Select); coding-DNA position 454, G replaced by C.
Protein change: p.Glu152Gln; replaces glutamic acid 152 with glutamine.
Molecular consequence: missense variant. On other transcripts: non-coding transcript variant (1), intron variant (6).
Genome position (GRCh38, 1-based): chr2:218,661,539, G>C. VCF-style: chr2-218661539-G-C. GRCh37 (hg19) VCF-style: chr2-219526262-G-C.
Other names: c.454G>C, p.Glu152Gln (NM_001257342.2, NM_001257343.2, NM_001257344.2 and 10 more transcripts); c.94G>C, p.Glu32Gln (NM_001318836.2, NM_001371451.1); c.-42+19G>C (NM_001374086.1, NM_001371454.1, NM_001371453.1 and 2 more transcripts); c.-41-220G>C (NM_001371452.1); short protein forms E32Q, E152Q.
Identifiers: ClinVar variation 1439694 (VCV001439694.3), dbSNP rs1233871941, ClinGen allele CA350626744.